The following is an entry in ClinVar:

NM_001276345.2(TNNT2):c.535G>A (p.Glu179Lys)

Gene: TNNT2 (troponin T2, cardiac type; minus strand). Cytogenetic location: 1q32.1.
Variant type: single nucleotide variant.
Coding change: c.535G>A on transcript NM_001276345.2 (MANE Select); coding-DNA position 535, G replaced by A.
Protein change: p.Glu179Lys; replaces glutamic acid 179 with lysine.
Molecular consequence: missense variant.
Genome position (GRCh38, 1-based): chr1:201,363,361, C>T on the plus strand (G>A on the coding strand, the complement: TNNT2 is on the minus strand). VCF-style: chr1-201363361-C-T. GRCh37 (hg19) VCF-style: chr1-201332489-C-T.
Other names: c.505G>A, p.Glu169Lys (NM_001406726.1, NM_001406727.1, NM_001001430.3 and 3 more transcripts); c.490G>A, p.Glu164Lys (NM_001406728.1, NM_001001432.3); c.535G>A, p.Glu179Lys (NM_000364.4, NM_001406723.1); c.415G>A, p.Glu139Lys (NM_001276346.2); c.502G>A, p.Glu168Lys (NM_001406725.1); short protein forms E139K, E164K, E168K, E169K, E179K.
Identifiers: ClinVar variation 3753579 (VCV003753579.2).

ClinVar aggregate classification (germline): Uncertain significance (1 of 4 stars; one submission).

Conditions:
Dilated cardiomyopathy 1D. Identifiers: Orphanet 154, Orphanet 54260, MedGen C1832243, MONDO:0011095, OMIM 601494.
Hypertrophic cardiomyopathy 2. Also called: TNNT2-Related Familial Hypertrophic Cardiomyopathy. Identifiers: MedGen C1861864, MONDO:0007266, OMIM 115195.
Cardiomyopathy, familial restrictive, 3. Identifiers: Orphanet 75249, MedGen C2676271, MONDO:0012900, OMIM 612422.

Submission:

Labcorp Genetics (formerly Invitae), Labcorp
Classification: Uncertain significance for Cardiomyopathy, familial restrictive, 3; Hypertrophic cardiomyopathy 2; Dilated cardiomyopathy 1D. Last evaluated: 2025-03-25. Review status: criteria provided, single submitter. Criteria: Invitae Variant Classification Sherloc (09022015). Collection method: clinical testing. Allele origin: germline.
Comment: This sequence change replaces glutamic acid, which is acidic and polar, with lysine, which is basic and polar, at codon 169 of the TNNT2 protein (p.Glu169Lys). This variant is not present in population databases (gnomAD no frequency). This variant has not been reported in the literature in individuals affected with TNNT2-related conditions. Invitae Evidence Modeling of protein sequence and biophysical properties (such as structural, functional, and spatial information, amino acid conservation, physicochemical variation, residue mobility, and thermodynamic stability) indicates that this missense variant is not expected to disrupt TNNT2 protein function with a negative predictive value of 80%. In summary, the available evidence is currently insufficient to determine the role of this variant in disease. Therefore, it has been classified as a Variant of Uncertain Significance.